The following is an entry in ClinVar:

NM_001242896.3(DEPDC5):c.938C>T (p.Ser313Leu)

Gene: DEPDC5 (DEP domain containing 5, GATOR1 subcomplex subunit; plus strand). Cytogenetic location: 22q12.2.
Variant type: single nucleotide variant.
Coding change: c.938C>T on transcript NM_001242896.3 (MANE Select); coding-DNA position 938, C replaced by T.
Protein change: p.Ser313Leu; replaces serine 313 with leucine.
Molecular consequence: missense variant. On other transcripts: non-coding transcript variant (5).
Genome position (GRCh38, 1-based): chr22:31,798,648, C>T. VCF-style: chr22-31798648-C-T. GRCh37 (hg19) VCF-style: chr22-32194634-C-T.
Other names: c.938C>T, p.Ser313Leu (NM_001007188.4, NM_001136029.4, NM_001242897.2 and 7 more transcripts); c.854C>T, p.Ser285Leu (NM_001369901.1, NM_001369902.1); short protein forms S285L, S313L.
Identifiers: ClinVar variation 1519072 (VCV001519072.8), dbSNP rs2148587902, ClinGen allele CA411291803.

ClinVar aggregate classification (germline): Uncertain significance (1 of 4 stars; one submission).

Conditions:
Familial focal epilepsy with variable foci (FPEVF). Identifiers: Orphanet 98820, MedGen C1858477, MONDO:0020310.

Submission:

Labcorp Genetics (formerly Invitae), Labcorp
Classification: Uncertain significance for Familial focal epilepsy with variable foci. Last evaluated: 2022-08-09. Review status: criteria provided, single submitter. Criteria: Invitae Variant Classification Sherloc (09022015). Collection method: clinical testing. Allele origin: germline.
Comment: In summary, the available evidence is currently insufficient to determine the role of this variant in disease. Therefore, it has been classified as a Variant of Uncertain Significance. Algorithms developed to predict the effect of missense changes on protein structure and function are either unavailable or do not agree on the potential impact of this missense change (SIFT: "Deleterious"; PolyPhen-2: "Not Available"; Align-GVGD: "Class C25"). ClinVar contains an entry for this variant (Variation ID: 1519072). This variant has not been reported in the literature in individuals affected with DEPDC5-related conditions. This variant is not present in population databases (gnomAD no frequency). This sequence change replaces serine, which is neutral and polar, with leucine, which is neutral and non-polar, at codon 313 of the DEPDC5 protein (p.Ser313Leu).